The following is an entry in ClinVar:

ClinVar aggregate classification (germline): Uncertain significance. Review status: criteria provided, single submitter (1 of 4 stars). 2 submissions from 2 submitters: Uncertain significance (1). 1 of the submissions does not count toward it. Last evaluated 2024-06-06.

Conditions:
SCAPER-related disorder. Also called: SCAPER-related condition.

gnomAD v4.1: 32 of 1,544,838 alleles (0.0021%); highest among the groups gnomAD compares: Admixed American, 0.016%; no homozygotes.

Submissions (2):

Blueprint Genetics
Classification: Uncertain significance. Last evaluated: 2024-06-06. Review status: criteria provided, single submitter. Criteria: ACMG Guidelines, 2015. Collection method: clinical testing. Allele origin: germline.

PreventionGenetics, part of Exact Sciences
Classification: Likely benign for SCAPER-related condition. Last evaluated: 2024-08-14. Review status: no assertion criteria provided. Collection method: clinical testing. Allele origin: germline. Not counted in ClinVar's aggregate classification.
Comment: This variant is classified as likely benign based on ACMG/AMP sequence variant interpretation guidelines (Richards et al. 2015 PMID: 25741868, with internal and published modifications).

NM_020843.4(SCAPER):c.2247G>A (p.Lys749=)

Gene: SCAPER (S-phase cyclin A associated protein in the ER; minus strand). Cytogenetic location: 15q24.3.
Variant type: single nucleotide variant.
Coding change: c.2247G>A on transcript NM_020843.4 (MANE Select); coding-DNA position 2247, G replaced by A.
Protein change: p.Lys749=; no amino-acid change (lysine 749 retained).
Molecular consequence: synonymous variant. On other transcripts: non-coding transcript variant (1).
Genome position (GRCh38, 1-based): chr15:76,705,903, C>T on the plus strand (G>A on the coding strand, the complement: SCAPER is on the minus strand). VCF-style: chr15-76705903-C-T. GRCh37 (hg19) VCF-style: chr15-76998244-C-T.
Other names: c.1509G>A, p.Lys503= (NM_001145923.2); c.2265G>A, p.Lys755= (NM_001353009.2); c.1845G>A, p.Lys615= (NM_001353010.2, NM_001353012.2); c.1863G>A, p.Lys621= (NM_001353011.2).
Identifiers: ClinVar variation 3357603 (VCV003357603.2).
Genomic context (GRCh38, chr15:76,705,903, plus strand): 5'-TGATCTCATGCTCCACTGTAAGCTCTAAAATTTCAAATTAAAAATATATAATATCCTTAC[C>T]TTGAGCTGAATTTTTTTCTGTAACTCTTCCATAGCTTCTTGTTGAGCAGCTGTGAGTGCT-3'
Protein context (NP_065894.2, residues 739-759): MEELQKKIQL[Lys749=]HDESIRRHME